The following is an entry in ClinVar:

ClinVar aggregate classification (germline): Benign/Likely benign. Review status: criteria provided, multiple submitters, no conflicts (2 of 4 stars). 23 submissions from 16 submitters: Benign (16); Likely benign (4). 3 of the submissions do not count toward it. Last evaluated 2026-02-03.

Conditions:
Dilated cardiomyopathy 1G (CMD1G). Identifiers: Orphanet 154, MedGen C1858763, MONDO:0011400, OMIM 604145.
Autosomal recessive limb-girdle muscular dystrophy type 2J (LGMDR10). Also called: MUSCULAR DYSTROPHY, LIMB-GIRDLE, AUTOSOMAL RECESSIVE 10; Limb-girdle muscular dystrophy, type 2J. Identifiers: Orphanet 140922, MedGen C1837342, MONDO:0012127, OMIM 608807.
Cardiovascular phenotype. Identifiers: MedGen CN230736.
Cardiomyopathy (CMYO). Also called: Cardiomyopathies. Identifiers: Orphanet 167848, MedGen C0878544, MONDO:0004994, HP:0001638. Inheritance: Various modes of inheritance.
Myopathy, myofibrillar, 9, with early respiratory failure (MFM9). Also called: Myopathy, distal, with early respiratory failure, autosomal dominant; Hereditary myopathy with early respiratory failure; MYOPATHY, PROXIMAL, WITH EARLY RESPIRATORY MUSCLE INVOLVEMENT; EDSTROM MYOPATHY. Identifiers: Orphanet 178464, Orphanet 34521, MedGen C1863599, MONDO:0011362, OMIM 603689.
Early-onset myopathy with fatal cardiomyopathy (CMYO5). Also called: CONGENITAL MYOPATHY 5 WITH CARDIOMYOPATHY; Salih Myopathy. Identifiers: Orphanet 289377, MedGen C2673677, MONDO:0012714, OMIM 611705. Disease mechanism: loss of function.
Tibial muscular dystrophy (TMD). Also called: Udd Distal Myopathy – Tibial Muscular Dystrophy; Tibial muscular dystrophy, tardive; UDD MYOPATHY. Identifiers: Orphanet 609, MedGen C1838244, MONDO:0010870, OMIM 600334.

Allele frequency attached by ClinVar (database versions not stated): 1000 Genomes Project 0.00399; gnomAD 0.00498 and 0.00462; gnomAD exomes 0.00117 and 0.00043; ExAC 0.00151; TOPMed 0.00527; ESP Exome Variant Server 0.00555; 1000 Genomes Project 30x 0.00500.
gnomAD v4.1: 1,356 of 1,611,912 alleles (0.084%); highest among the groups gnomAD compares: African/African-American, 1.7%; 9 homozygotes.

Submissions (23):

Labcorp Genetics (formerly Invitae), Labcorp
Classification: Benign for Dilated cardiomyopathy 1G; Autosomal recessive limb-girdle muscular dystrophy type 2J. Last evaluated: 2026-02-03. Review status: criteria provided, single submitter. Criteria: Invitae Variant Classification Sherloc (09022015). Collection method: clinical testing. Allele origin: germline.

Molecular Diagnostic Laboratory for Inherited Cardiovascular Disease, Montreal Heart Institute
Classification: Benign. Last evaluated: 2025-04-09. Review status: criteria provided, single submitter. Criteria: ACMG Guidelines, 2015. Collection method: clinical testing. Allele origin: germline. Affected: no.

Mayo Clinic Laboratories, Mayo Clinic
Classification: Benign. Last evaluated: 2025-02-04. Review status: criteria provided, single submitter. Criteria: ACMG Guidelines, 2015. Collection method: clinical testing. Allele origin: germline. Observed: 14 variant alleles.
Comment: BA1, BP4, BP7

Athena Diagnostics
Classification: Benign. Last evaluated: 2024-10-17. Review status: criteria provided, single submitter. Criteria: Athena Diagnostics Criteria. Collection method: clinical testing. Allele origin: unknown.

Blueprint Genetics
Classification: Likely benign. Last evaluated: 2024-08-28. Review status: criteria provided, single submitter. Criteria: ACMG Guidelines, 2015. Collection method: clinical testing. Allele origin: germline.

ARUP Laboratories, Molecular Genetics and Genomics, ARUP Laboratories
Classification: Benign. Last evaluated: 2024-06-21. Review status: criteria provided, single submitter. Criteria: ARUP Molecular Germline Variant Investigation Process 2024. Collection method: clinical testing. Allele origin: germline.

Genome-Nilou Lab
Classification: Benign for Autosomal recessive limb-girdle muscular dystrophy type 2J. Last evaluated: 2021-09-10. Review status: criteria provided, single submitter. Criteria: ACMG Guidelines, 2015. Collection method: clinical testing. Allele origin: germline. Affected: no.

Genome-Nilou Lab
Classification: Benign for Myopathy, myofibrillar, 9, with early respiratory failure. Last evaluated: 2021-09-10. Review status: criteria provided, single submitter. Criteria: ACMG Guidelines, 2015. Collection method: clinical testing. Allele origin: germline. Affected: no.

Genome-Nilou Lab
Classification: Benign for Early-onset myopathy with fatal cardiomyopathy. Last evaluated: 2021-09-10. Review status: criteria provided, single submitter. Criteria: ACMG Guidelines, 2015. Collection method: clinical testing. Allele origin: germline. Affected: no.

Genome-Nilou Lab
Classification: Benign for Tibial muscular dystrophy. Last evaluated: 2021-09-10. Review status: criteria provided, single submitter. Criteria: ACMG Guidelines, 2015. Collection method: clinical testing. Allele origin: germline. Affected: no.

CHEO Genetics Diagnostic Laboratory, Children's Hospital of Eastern Ontario
Classification: Benign for Cardiomyopathy. Last evaluated: 2020-11-13. Review status: criteria provided, single submitter. Criteria: ACMG Guidelines, 2015. Collection method: clinical testing. Allele origin: germline.

Women's Health and Genetics/Laboratory Corporation of America, LabCorp
Classification: Benign. Last evaluated: 2020-10-19. Review status: criteria provided, single submitter. Criteria: LabCorp Variant Classification Summary - May 2015. Collection method: clinical testing. Allele origin: germline.

Illumina Laboratory Services, Illumina
Classification: Likely benign for Early-onset myopathy with fatal cardiomyopathy. Last evaluated: 2018-01-13. Review status: criteria provided, single submitter. Criteria: ICSL Variant Classification Criteria 13 December 2019. Collection method: clinical testing. Allele origin: germline.
Comment: This variant was observed in the ICSL laboratory as part of a predisposition screen in an ostensibly healthy population. It had not been previously curated by ICSL or reported in the Human Gene Mutation Database (HGMD: prior to June 1st, 2018), and was therefore a candidate for classification through an automated scoring system. Utilizing variant allele frequency, disease prevalence and penetrance estimates, and inheritance mode, an automated score was calculated to assess if this variant is too frequent to cause the disease. Based on the score and internal cut-off values, a variant classified as likely benign is not then subjected to further curation. The score for this variant resulted in a classification of likely benign for this disease.

Illumina Laboratory Services, Illumina
Classification: Benign for Tibial muscular dystrophy. Last evaluated: 2018-01-13. Review status: criteria provided, single submitter. Criteria: ICSL Variant Classification Criteria 13 December 2019. Collection method: clinical testing. Allele origin: germline.
Comment: This variant was observed in the ICSL laboratory as part of a predisposition screen in an ostensibly healthy population. It had not been previously curated by ICSL or reported in the Human Gene Mutation Database (HGMD: prior to June 1st, 2018), and was therefore a candidate for classification through an automated scoring system. Utilizing variant allele frequency, disease prevalence and penetrance estimates, and inheritance mode, an automated score was calculated to assess if this variant is too frequent to cause the disease. Based on the score and internal cut-off values, a variant classified as benign is not then subjected to further curation. The score for this variant resulted in a classification of benign for this disease.

Illumina Laboratory Services, Illumina
Classification: Likely benign for Dilated cardiomyopathy 1G. Last evaluated: 2018-01-13. Review status: criteria provided, single submitter. Criteria: ICSL Variant Classification Criteria 13 December 2019. Collection method: clinical testing. Allele origin: germline.
Comment: the same text as in the submission from Illumina Laboratory Services, Illumina above.

Illumina Laboratory Services, Illumina
Classification: Benign for Myopathy, myofibrillar, 9, with early respiratory failure. Last evaluated: 2018-01-13. Review status: criteria provided, single submitter. Criteria: ICSL Variant Classification Criteria 13 December 2019. Collection method: clinical testing. Allele origin: germline.
Comment: the same text as in the submission from Illumina Laboratory Services, Illumina above.

Illumina Laboratory Services, Illumina
Classification: Likely benign for Autosomal recessive limb-girdle muscular dystrophy type 2J. Last evaluated: 2018-01-13. Review status: criteria provided, single submitter. Criteria: ICSL Variant Classification Criteria 13 December 2019. Collection method: clinical testing. Allele origin: germline.
Comment: the same text as in the submission from Illumina Laboratory Services, Illumina above.

Ambry Genetics
Classification: Benign for Cardiovascular phenotype. Last evaluated: 2015-12-31. Review status: criteria provided, single submitter. Criteria: Ambry Variant Classification Scheme 2023. Collection method: clinical testing. Allele origin: germline.

GeneDx
Classification: Benign. Last evaluated: 2013-04-08. Review status: criteria provided, single submitter. Criteria: GeneDx Variant Classification (06012015). Collection method: clinical testing. Allele origin: germline. Affected: yes.
Comment: This variant is considered likely benign or benign based on one or more of the following criteria: it is a conservative change, it occurs at a poorly conserved position in the protein, it is predicted to be benign by multiple in silico algorithms, and/or has population frequency not consistent with disease.

Laboratory for Molecular Medicine, Mass General Brigham Personalized Medicine
Classification: Benign. Last evaluated: 2012-03-19. Review status: criteria provided, single submitter. Criteria: LMM Criteria. Collection method: clinical testing. Allele origin: germline. Observed: 12 variant alleles.
Comment: Asp13189Asp in exon 202 of TTN: This variant is not expected to have clinical si gnificance because it does not alter an amino acid residue, is not located withi n the splice consensus sequence, and it has been identified in 1.6% (51/3128) of African American chromosomes from a broad population by the NHLBI Exome Sequenc ing Project (dbSNP rs76081119)

Clinical Genetics DNA and cytogenetics Diagnostics Lab, Erasmus MC, Erasmus Medical Center
Classification: Benign. Review status: no assertion criteria provided. Collection method: clinical testing. Allele origin: germline. Affected: yes. Study: VKGL Data-share Consensus. Not counted in ClinVar's aggregate classification.

Clinical Genetics, Academic Medical Center
Classification: Benign. Review status: no assertion criteria provided. Collection method: clinical testing. Allele origin: germline. Affected: yes. Study: VKGL Data-share Consensus. Not counted in ClinVar's aggregate classification.

Joint Genome Diagnostic Labs from Nijmegen and Maastricht, Radboudumc and MUMC+
Classification: Benign. Review status: no assertion criteria provided. Collection method: clinical testing. Allele origin: germline. Affected: yes. Study: VKGL Data-share Consensus. Not counted in ClinVar's aggregate classification.

NM_001267550.2(TTN):c.47271T>C (p.Asp15757=)

Genes: TTN (titin; minus strand), TTN-AS1 (TTN antisense RNA 1; plus strand). Cytogenetic location: 2q31.2.
Variant type: single nucleotide variant.
Coding change: c.47271T>C on transcript NM_001267550.2 (MANE Select); coding-DNA position 47271, T replaced by C.
Protein change: p.Asp15757=; no amino-acid change (aspartic acid 15757 retained).
Molecular consequence: synonymous variant.
Genome position (GRCh38, 1-based): chr2:178,618,080, A>G on the plus strand (T>C on the coding strand, the complement: TTN is on the minus strand). VCF-style: chr2-178618080-A-G. GRCh37 (hg19) VCF-style: chr2-179482807-A-G.
Other names: p.D14116D:GAT>GAC; p.Asp13189=; c.42348T>C, p.Asp14116= (NM_001256850.1); c.20076T>C, p.Asp6692= (NM_003319.4); c.39567T>C, p.Asp13189= (NM_133378.4); c.20451T>C, p.Asp6817= (NM_133432.3); c.20652T>C, p.Asp6884= (NM_133437.4).
Identifiers: ClinVar variation 47009 (VCV000047009.44), dbSNP rs76081119, ClinGen allele CA283298.
Genomic context (GRCh38, chr2:178,618,080, plus strand): 5'-CAGTGAGACACCAAATCGATTCACATCAGTGATGGTTACATTCAAAGGAGGGCCTGGAAC[A>G]TCTGGATTTCACCACAGAAGAAGAAAATATGAGTTTGGGGTAACGATGATGAAGGCAAAG-3'
Protein context (NP_001254479.2, residues 15747-15767): DNPVEARSKY[Asp15757=]VPGPPLNVTI